The following is an entry in ClinVar:

NM_002878.4(RAD51D):c.795A>C (p.Gly265=)

Genes: RAD51L3-RFFL (RAD51L3-RFFL readthrough; minus strand), RAD51D (RAD51 paralog D; minus strand). Cytogenetic location: 17q12.
Variant type: single nucleotide variant.
Coding change: c.795A>C on transcript NM_002878.4 (MANE Select); coding-DNA position 795, A replaced by C.
Protein change: p.Gly265=; no amino-acid change (glycine 265 retained).
Molecular consequence: synonymous variant. On other transcripts: non-coding transcript variant (3).
Genome position (GRCh38, 1-based): chr17:35,101,309, T>G on the plus strand (A>C on the coding strand, the complement: RAD51D is on the minus strand). VCF-style: chr17-35101309-T-G. GRCh37 (hg19) VCF-style: chr17-33428328-T-G.
Other names: c.855A>C, p.Gly285= (NM_001142571.2); c.459A>C, p.Gly153= (NM_133629.3).
Identifiers: ClinVar variation 3903923 (VCV003903923.1).

ClinVar aggregate classification (germline): Benign (1 of 4 stars; one submission).

Conditions:
Breast-ovarian cancer, familial, susceptibility to, 4. Identifiers: Orphanet 145, MedGen C3280345, MONDO:0013669, OMIM 614291.

Submission:

Myriad Genetics, Inc.
Classification: Benign for Breast-ovarian cancer, familial, susceptibility to, 4. Last evaluated: 2025-02-24. Review status: criteria provided, single submitter. Criteria: Myriad Autosomal Dominant, Autosomal Recessive and X-Linked Classification Criteria (2023). Collection method: clinical testing. Allele origin: unknown.
Comment: This variant is considered benign. This variant is a silent/synonymous amino acid change and it is not expected to impact splicing.